The following is an entry in ClinVar:

ClinVar aggregate classification (germline): Uncertain significance. Review status: criteria provided, multiple submitters, no conflicts (2 of 4 stars). 2 submissions from 2 submitters: Uncertain significance (2). Last evaluated 2025-08-11.

Conditions:
Inborn genetic diseases. Identifiers: MedGen C0950123, MeSH D030342.

gnomAD v4.1: 75 of 1,438,128 alleles (0.0052%); highest among the groups gnomAD compares: Middle Eastern, 0.017%; no homozygotes.

Submissions (2):

Labcorp Genetics (formerly Invitae), Labcorp
Classification: Uncertain significance. Last evaluated: 2025-08-11. Review status: criteria provided, single submitter. Criteria: Invitae Variant Classification Sherloc (09022015). Collection method: clinical testing. Allele origin: germline.
Comment: This sequence change replaces serine, which is neutral and polar, with proline, which is neutral and non-polar, at codon 559 of the CHUK protein (p.Ser559Pro). This variant is present in population databases (rs573466829, gnomAD 0.01%). This variant has not been reported in the literature in individuals affected with CHUK-related conditions. ClinVar contains an entry for this variant (Variation ID: 3267294). An algorithm developed to predict the effect of missense changes on protein structure and function (PolyPhen-2) suggests that this variant is likely to be tolerated. In summary, the available evidence is currently insufficient to determine the role of this variant in disease. Therefore, it has been classified as a Variant of Uncertain Significance.

Ambry Genetics
Classification: Uncertain significance for Inborn genetic diseases. Last evaluated: 2024-04-23. Review status: criteria provided, single submitter. Criteria: Ambry Variant Classification Scheme 2023. Collection method: clinical testing. Allele origin: germline.

NM_001278.5(CHUK):c.1675T>C (p.Ser559Pro)

Gene: CHUK (component of inhibitor of nuclear factor kappa B kinase complex; minus strand). Cytogenetic location: 10q24.31.
Variant type: single nucleotide variant.
Coding change: c.1675T>C on transcript NM_001278.5 (MANE Select); coding-DNA position 1675, T replaced by C.
Protein change: p.Ser559Pro; replaces serine 559 with proline.
Molecular consequence: missense variant.
Genome position (GRCh38, 1-based): chr10:100,200,675, A>G on the plus strand (T>C on the coding strand, the complement: CHUK is on the minus strand). VCF-style: chr10-100200675-A-G. GRCh37 (hg19) VCF-style: chr10-101960432-A-G.
Other names: c.1675T>C, p.Ser559Pro (NM_001320928.2); short protein forms S559P.
Identifiers: ClinVar variation 3267294 (VCV003267294.2).